The following is an entry in ClinVar:

ClinVar aggregate classification (germline): Conflicting classifications of pathogenicity. Review status: criteria provided, conflicting classifications (1 of 4 stars). 7 submissions from 7 submitters: Uncertain significance (6); Likely benign (1). Last evaluated 2026-07-15.

Conditions:
Hereditary cancer-predisposing syndrome. Also called: Hereditary neoplastic syndrome; Tumor predisposition; Neoplastic Syndromes, Hereditary; Hereditary Cancer Syndrome. Identifiers: Orphanet 140162, MedGen C0027672, MeSH D009386, MONDO:0015356.
Familial adenomatous polyposis 1 (FAP1). Also called: POLYPOSIS, ADENOMATOUS INTESTINAL; FAMILIAL ADENOMATOUS POLYPOSIS 1, ATTENUATED. Identifiers: MedGen C2713442, MONDO:0021056, OMIM 175100. Disease mechanism: loss of function.
Inherited polyposis and early onset colorectal cancer - germline testing.
Classic or attenuated familial adenomatous polyposis. Identifiers: MedGen CN372698, MONDO:0021057.

Allele frequency attached by ClinVar (database versions not stated): TOPMed below 0.00001; gnomAD exomes 0.00001 and 0.00005.
gnomAD v4.1: 71 of 1,612,954 alleles (0.0044%); highest among the groups gnomAD compares: Non-Finnish European, 0.006%; no homozygotes.

Submissions (7):

Genomics and Molecular Medicine Service, East Genomic Laboratory Hub, NHS Genomic Medicine Service
Classification: Uncertain significance for Inherited polyposis and early onset colorectal cancer - germline testing. Last evaluated: 2026-07-15. Review status: criteria provided, single submitter. Criteria: ACGS Best Practice Guidelines for Variant Classification in Rare Disease 2020. Collection method: clinical testing. Allele origin: germline. Affected: yes.
Comment: BP1

Labcorp Genetics (formerly Invitae), Labcorp
Classification: Uncertain significance for Familial adenomatous polyposis 1. Last evaluated: 2026-01-18. Review status: criteria provided, single submitter. Criteria: Invitae Variant Classification Sherloc (09022015). Collection method: clinical testing. Allele origin: germline.
Comment: This sequence change replaces histidine, which is basic and polar, with arginine, which is basic and polar, at codon 250 of the APC protein (p.His250Arg). This variant is present in population databases (rs774296531, gnomAD 0.002%). This missense change has been observed in individual(s) with APC-related conditions (PMID: 34326862, 36243179). ClinVar contains an entry for this variant (Variation ID: 411395). Invitae Evidence Modeling of protein sequence and biophysical properties (such as structural, functional, and spatial information, amino acid conservation, physicochemical variation, residue mobility, and thermodynamic stability) indicates that this missense variant is not expected to disrupt APC protein function with a negative predictive value of 95%. In summary, the available evidence is currently insufficient to determine the role of this variant in disease. Therefore, it has been classified as a Variant of Uncertain Significance.

All of Us Research Program, National Institutes of Health
Classification: Uncertain significance for Classic or attenuated familial adenomatous polyposis. Last evaluated: 2024-05-14. Review status: criteria provided, single submitter. Criteria: ACMG Guidelines, 2015. Collection method: clinical testing. Allele origin: germline. Inheritance: Autosomal dominant inheritance. Observed: 2 variant alleles, 2 heterozygotes.
Comment: This missense variant replaces histidine with arginine at codon 250 of the APC protein. Computational prediction suggests that this variant may not impact protein structure and function (internally defined REVEL score threshold <= 0.5, PMID: 27666373). To our knowledge, functional studies have not been reported for this variant. This variant has not been reported in individuals affected with APC-related disorders in the literature. This variant has been identified in 2/250908 chromosomes in the general population by the Genome Aggregation Database (gnomAD). The available evidence is insufficient to determine the role of this variant in disease conclusively. Therefore, this variant is classified as a Variant of Uncertain Significance.

This study involves interpretation of variants in research participants for the purpose of population health screening. Participant phenotype was not available at the time of variant classification. Additional details can be found in publication PMID: 35346344, PMCID: PMC8962531

Color Diagnostics, LLC DBA Color Health
Classification: Uncertain significance for Hereditary cancer-predisposing syndrome. Last evaluated: 2023-12-05. Review status: criteria provided, single submitter. Criteria: ACMG Guidelines, 2015. Collection method: clinical testing. Allele origin: germline.
Comment: This missense variant replaces histidine with arginine at codon 250 of the APC protein. Computational prediction suggests that this variant may not impact protein structure and function (internally defined REVEL score threshold <= 0.5, PMID: 27666373). To our knowledge, functional studies have not been reported for this variant. This variant has not been reported in individuals affected with APC-related disorders in the literature. This variant has been identified in 2/250908 chromosomes in the general population by the Genome Aggregation Database (gnomAD). The available evidence is insufficient to determine the role of this variant in disease conclusively. Therefore, this variant is classified as a Variant of Uncertain Significance.

Ambry Genetics
Classification: Likely benign for Hereditary cancer-predisposing syndrome. Last evaluated: 2023-02-02. Review status: criteria provided, single submitter. Criteria: Ambry Variant Classification Scheme 2023. Collection method: clinical testing. Allele origin: germline.

Sema4
Classification: Uncertain significance for Hereditary cancer-predisposing syndrome. Last evaluated: 2021-05-17. Review status: criteria provided, single submitter. Criteria: Sema4 Curation Guidelines. Collection method: curation. Allele origin: germline.
Comment: The APC c.749A>G (p.H250R) variant has not been reported in the literature to our knowledge. It was observed in 2/113508 chromosomes of the Non-Finnish European subpopulation in the large and broad cohorts of the Genome Aggregation Database (PMID: 32461654). This variant has been reported in ClinVar (Variation ID 411395). In silico tools suggest the impact of the variant on protein function is inconclusive, though these predictions have not been confirmed by functional studies. The overall evidence is insufficient to meet ACMG/AMP criteria for classifying it as benign or pathogenic. In summary, the clinical significance of this variant is currently uncertain.

Women's Health and Genetics/Laboratory Corporation of America, LabCorp
Classification: Uncertain significance. Last evaluated: 2020-01-31. Review status: criteria provided, single submitter. Criteria: LabCorp Variant Classification Summary - May 2015. Collection method: clinical testing. Allele origin: germline.
Comment: Variant summary: APC c.749A>G (p.His250Arg) results in a non-conservative amino acid change in the encoded protein sequence. Four of five in-silico tools predict a benign effect of the variant on protein function. The variant allele was found at a frequency of 8e-06 in 250908 control chromosomes (gnomAD). The available data on variant occurrences in the general population are insufficient to allow any conclusion about variant significance. To our knowledge, no occurrence of c.749A>G in individuals affected with Familial Adenomatous Polyposis and no experimental evidence demonstrating its impact on protein function have been reported. Three clinical diagnostic laboratories have submitted clinical-significance assessments for this variant to ClinVar after 2014 without evidence for independent evaluation, and all of them classified the variant as uncertain significance. Based on the evidence outlined above, the variant was classified as uncertain significance.

Literature cited by the submitters: PubMed 34326862 (cited by Labcorp Genetics (formerly Invitae), Labcorp); PubMed 36243179 (cited by Labcorp Genetics (formerly Invitae), Labcorp).

NM_000038.6(APC):c.749A>G (p.His250Arg)

Gene: APC (APC regulator of Wnt signaling pathway; plus strand). Cytogenetic location: 5q22.2.
Variant type: single nucleotide variant.
Coding change: c.749A>G on transcript NM_000038.6 (MANE Select); coding-DNA position 749, A replaced by G.
Protein change: p.His250Arg; replaces histidine 250 with arginine.
Molecular consequence: missense variant. On other transcripts: 5 prime UTR variant (1).
Genome position (GRCh38, 1-based): chr5:112,801,298, A>G. VCF-style: chr5-112801298-A-G. GRCh37 (hg19) VCF-style: chr5-112136995-A-G.
Other names: c.749A>G, p.His250Arg (NM_001127510.3, NM_001354895.2, NM_001354896.2 and 1 more transcripts); c.695A>G, p.His232Arg (NM_001127511.3); c.779A>G, p.His260Arg (NM_001354897.2, NM_001354902.2); c.674A>G, p.His225Arg (NM_001354898.2, NM_001354904.2); c.665A>G, p.His222Arg (NM_001354899.2); c.572A>G, p.His191Arg (NM_001354900.2, NM_001354901.2, NM_001354905.2); c.-287A>G (NM_001354906.2); short protein forms H232R, H250R, H222R, H225R, H191R, H260R.
Identifiers: ClinVar variation 411395 (VCV000411395.60), dbSNP rs774296531, ClinGen allele CA16022971.